The following is an entry in ClinVar:

NM_006206.6(PDGFRA):c.2222A>C (p.Gln741Pro)

Gene: PDGFRA (platelet derived growth factor receptor alpha; plus strand). Cytogenetic location: 4q12.
Variant type: single nucleotide variant.
Coding change: c.2222A>C on transcript NM_006206.6 (MANE Select); coding-DNA position 2222, A replaced by C.
Protein change: p.Gln741Pro; replaces glutamine 741 with proline.
Molecular consequence: missense variant.
Genome position (GRCh38, 1-based): chr4:54,280,381, A>C. VCF-style: chr4-54280381-A-C. GRCh37 (hg19) VCF-style: chr4-55146548-A-C.
Other names: c.2222A>C, p.Gln741Pro (NM_001347827.2, NM_001347829.2); c.2297A>C, p.Gln766Pro (NM_001347828.2); c.2261A>C, p.Gln754Pro (NM_001347830.2); short protein forms Q741P, Q766P, Q754P.
Identifiers: ClinVar variation 1787947 (VCV001787947.5), dbSNP rs141704268, ClinGen allele CA356894340.

ClinVar aggregate classification (germline): Uncertain significance. Review status: criteria provided, multiple submitters, no conflicts (2 of 4 stars). 2 submissions from 2 submitters: Uncertain significance (2). Last evaluated 2024-08-29.

Conditions:
Hereditary cancer-predisposing syndrome. Also called: Neoplastic Syndromes, Hereditary; Tumor predisposition; Hereditary Cancer Syndrome; Hereditary neoplastic syndrome. Identifiers: Orphanet 140162, MedGen C0027672, MeSH D009386, MONDO:0015356.
Gastrointestinal stromal tumor. Also called: Gastrointestinal stromal tumor, somatic; Gastrointestinal stroma tumor. Identifiers: Orphanet 44890, MedGen C0238198, MeSH D046152, MONDO:0011719, OMIM 606764, HP:0100723.

Submissions (2):

Labcorp Genetics (formerly Invitae), Labcorp
Classification: Uncertain significance for Gastrointestinal stromal tumor. Last evaluated: 2024-08-29. Review status: criteria provided, single submitter. Criteria: Invitae Variant Classification Sherloc (09022015). Collection method: clinical testing. Allele origin: germline.
Comment: This sequence change replaces glutamine, which is neutral and polar, with proline, which is neutral and non-polar, at codon 741 of the PDGFRA protein (p.Gln741Pro). This variant is not present in population databases (gnomAD no frequency). This variant has not been reported in the literature in individuals affected with PDGFRA-related conditions. ClinVar contains an entry for this variant (Variation ID: 1787947). Invitae Evidence Modeling of protein sequence and biophysical properties (such as structural, functional, and spatial information, amino acid conservation, physicochemical variation, residue mobility, and thermodynamic stability) indicates that this missense variant is not expected to disrupt PDGFRA protein function with a negative predictive value of 80%. In summary, the available evidence is currently insufficient to determine the role of this variant in disease. Therefore, it has been classified as a Variant of Uncertain Significance.

Ambry Genetics
Classification: Uncertain significance for Hereditary cancer-predisposing syndrome. Last evaluated: 2023-09-21. Review status: criteria provided, single submitter. Criteria: Ambry Variant Classification Scheme 2023. Collection method: clinical testing. Allele origin: germline.
Comment: The p.Q741P variant (also known as c.2222A>C), located in coding exon 15 of the PDGFRA gene, results from an A to C substitution at nucleotide position 2222. The glutamine at codon 741 is replaced by proline, an amino acid with similar properties. This amino acid position is highly conserved in available vertebrate species. In addition, this alteration is predicted to be deleterious by in silico analysis. Since supporting evidence is limited at this time, the clinical significance of this alteration remains unclear.